The following is an entry in ClinVar:

ClinVar aggregate classification (germline): Uncertain significance. Review status: criteria provided, multiple submitters, no conflicts (2 of 4 stars). 2 submissions from 2 submitters: Uncertain significance (2). Last evaluated 2024-12-06.

Conditions:
Inborn genetic diseases. Identifiers: MedGen C0950123, MeSH D030342.

Allele frequency attached by ClinVar (database versions not stated): gnomAD exomes below 0.00001.
gnomAD v4.1: 1 of 1,614,202 alleles (0.000062%); highest among the groups gnomAD compares: Non-Finnish European, 0.000085%; no homozygotes.

Submissions (2):

Ambry Genetics
Classification: Uncertain significance for Inborn genetic diseases. Last evaluated: 2024-12-06. Review status: criteria provided, single submitter. Criteria: Ambry Variant Classification Scheme 2023. Collection method: clinical testing. Allele origin: germline.

Labcorp Genetics (formerly Invitae), Labcorp
Classification: Uncertain significance. Last evaluated: 2022-11-01. Review status: criteria provided, single submitter. Criteria: Invitae Variant Classification Sherloc (09022015). Collection method: clinical testing. Allele origin: germline.
Comment: In summary, the available evidence is currently insufficient to determine the role of this variant in disease. Therefore, it has been classified as a Variant of Uncertain Significance. Algorithms developed to predict the effect of missense changes on protein structure and function are either unavailable or do not agree on the potential impact of this missense change (SIFT: "Deleterious"; PolyPhen-2: "Benign"; Align-GVGD: "Class C25"). This variant has not been reported in the literature in individuals affected with NDUFA2-related conditions. This variant is not present in population databases (gnomAD no frequency). This sequence change replaces phenylalanine, which is neutral and non-polar, with cysteine, which is neutral and slightly polar, at codon 82 of the NDUFA2 protein (p.Phe82Cys).

NM_002488.5(NDUFA2):c.245T>G (p.Phe82Cys)

Genes: NDUFA2 (NADH:ubiquinone oxidoreductase subunit A2; minus strand), TMCO6 (transmembrane and coiled-coil domains 6; plus strand). Cytogenetic location: 5q31.3.
Variant type: single nucleotide variant.
Coding change: c.245T>G on transcript NM_002488.5 (MANE Select); coding-DNA position 245, T replaced by G.
Protein change: p.Phe82Cys; replaces phenylalanine 82 with cysteine.
Molecular consequence: missense variant. On other transcripts: 3 prime UTR variant (1), non-coding transcript variant (1).
Genome position (GRCh38, 1-based): chr5:140,645,642, A>C on the plus strand (T>G on the coding strand, the complement: NDUFA2 is on the minus strand). VCF-style: chr5-140645642-A-C. GRCh37 (hg19) VCF-style: chr5-140025227-A-C.
Other names: c.*61T>G (NM_001185012.2); c.245T>G (NM_002488.4); short protein forms F82C.
Identifiers: ClinVar variation 1917840 (VCV001917840.6), dbSNP rs2481135502, ClinGen allele CA361215296.